The following is an entry in ClinVar:

NM_001853.4(COL9A3):c.646C>T (p.Pro216Ser)

Gene: COL9A3 (collagen type IX alpha 3 chain; plus strand). Cytogenetic location: 20q13.33.
Variant type: single nucleotide variant.
Coding change: c.646C>T on transcript NM_001853.4 (MANE Select); coding-DNA position 646, C replaced by T.
Protein change: p.Pro216Ser; replaces proline 216 with serine.
Molecular consequence: missense variant.
Genome position (GRCh38, 1-based): chr20:62,825,832, C>T. VCF-style: chr20-62825832-C-T. GRCh37 (hg19) VCF-style: chr20-61457184-C-T.
Other names: short protein forms P216S.
Identifiers: ClinVar variation 4811929 (VCV004811929.1).
Genomic context (GRCh38, chr20:62,825,832, plus strand): 5'-GAGAGCCAGACTGGGCCGCTGACCACCCTATCCCCTCTGTTTCAGGGTGACCCTGGCCCC[C>T]CTGGGCCCGCCGGCCTCCCGGGCAGCGTGGGGCTGCAGGTGAGGCTAGGAAGGGGTAAGG-3'
Protein context (NP_001844.3, residues 206-226): KDGEKGDPGP[Pro216Ser]GPAGLPGSVG

ClinVar aggregate classification (germline): Uncertain significance (1 of 4 stars; one submission).

Submission:

Labcorp Genetics (formerly Invitae), Labcorp
Classification: Uncertain significance. Last evaluated: 2025-09-14. Review status: criteria provided, single submitter. Criteria: Invitae Variant Classification Sherloc (09022015). Collection method: clinical testing. Allele origin: germline.
Comment: This sequence change replaces proline, which is neutral and non-polar, with serine, which is neutral and polar, at codon 216 of the COL9A3 protein (p.Pro216Ser). This variant is not present in population databases (gnomAD no frequency). This variant has not been reported in the literature in individuals affected with COL9A3-related conditions. Invitae Evidence Modeling of protein sequence and biophysical properties (such as structural, functional, and spatial information, amino acid conservation, physicochemical variation, residue mobility, and thermodynamic stability) indicates that this missense variant is not expected to disrupt COL9A3 protein function with a negative predictive value of 95%. In summary, the available evidence is currently insufficient to determine the role of this variant in disease. Therefore, it has been classified as a Variant of Uncertain Significance.